The following is an entry in ClinVar:

NM_016406.4(UFC1):c.247G>A (p.Glu83Lys)

Gene: UFC1 (ubiquitin-fold modifier conjugating enzyme 1; plus strand). Cytogenetic location: 1q23.3.
Variant type: single nucleotide variant.
Coding change: c.247G>A on transcript NM_016406.4 (MANE Select); coding-DNA position 247, G replaced by A.
Protein change: p.Glu83Lys; replaces glutamic acid 83 with lysine.
Molecular consequence: missense variant.
Genome position (GRCh38, 1-based): chr1:161,157,309, G>A. VCF-style: chr1-161157309-G-A. GRCh37 (hg19) VCF-style: chr1-161127099-G-A.
Other names: short protein forms E83K.
Identifiers: ClinVar variation 2217798 (VCV002217798.4), dbSNP rs139173256, ClinGen allele CA1206393.

ClinVar aggregate classification (germline): Uncertain significance. Review status: criteria provided, single submitter (1 of 4 stars). 2 submissions from 2 submitters: Uncertain significance (1). 1 of the submissions does not count toward it. Last evaluated 2022-11-10.

Conditions:
UFC1-related disorder. Also called: UFC1-related condition.

Allele frequency attached by ClinVar (database versions not stated): gnomAD exomes 0.00008; ExAC 0.00013; gnomAD 0.00046; TOPMed 0.00051; ESP Exome Variant Server 0.00077.
gnomAD v4.1: 187 of 1,614,092 alleles (0.012%); highest among the groups gnomAD compares: African/African-American, 0.17%; 1 homozygote.

Submissions (2):

Ambry Genetics
Classification: Uncertain significance. Last evaluated: 2022-11-10. Review status: criteria provided, single submitter. Criteria: Ambry Variant Classification Scheme 2023. Collection method: clinical testing. Allele origin: germline.

PreventionGenetics, part of Exact Sciences
Classification: Likely benign for UFC1-related condition. Last evaluated: 2023-02-26. Review status: no assertion criteria provided. Collection method: clinical testing. Allele origin: germline. Not counted in ClinVar's aggregate classification.
Comment: This variant is classified as likely benign based on ACMG/AMP sequence variant interpretation guidelines (Richards et al. 2015 PMID: 25741868, with internal and published modifications).